The following is an entry in ClinVar:

NM_000539.3(RHO):c.*488T>C

Gene: RHO (rhodopsin; plus strand). Cytogenetic location: 3q22.1.
Variant type: single nucleotide variant.
Coding change: c.*488T>C on transcript NM_000539.3 (MANE Select); 488 bases downstream of the stop codon, T replaced by C.
Molecular consequence: 3 prime UTR variant.
Genome position (GRCh38, 1-based): chr3:129,534,206, T>C. VCF-style: chr3-129534206-T-C. GRCh37 (hg19) VCF-style: chr3-129253049-T-C.
Identifiers: ClinVar variation 343295 (VCV000343295.5), dbSNP rs78163008, ClinGen allele CA10615292.

ClinVar aggregate classification (germline): Benign. Review status: criteria provided, single submitter (1 of 4 stars). 2 submissions from 1 submitter: Benign (2). Last evaluated 2018-01-13.

Conditions:
Congenital stationary night blindness autosomal dominant 1. Also called: NIGHT BLINDNESS, CONGENITAL STATIONARY, RHODOPSIN-RELATED. Identifiers: Orphanet 215, MedGen C1864869, MONDO:0012498, OMIM 610445.
Retinitis pigmentosa (RP). Identifiers: Orphanet 791, MedGen C0035334, MeSH D012174, MONDO:0019200, OMIM 268000. Inheritance: Autosomal dominant, autosomal recessive and X linked inheritance.

Allele frequency attached by ClinVar (database versions not stated): gnomAD 0.01042 and 0.01127; 1000 Genomes Project 0.01098; 1000 Genomes Project 30x 0.01187; TOPMed 0.01195.
gnomAD v4.1: 1,578 of 160,484 alleles (0.98%); highest among the groups gnomAD compares: African/African-American, 3.5%; 36 homozygotes.

Submissions (2):

Illumina Laboratory Services, Illumina
Classification: Benign for Retinitis pigmentosa. Last evaluated: 2018-01-13. Review status: criteria provided, single submitter. Criteria: ICSL Variant Classification Criteria 13 December 2019. Collection method: clinical testing. Allele origin: germline.
Comment: This variant was observed in the ICSL laboratory as part of a predisposition screen in an ostensibly healthy population. It had not been previously curated by ICSL or reported in the Human Gene Mutation Database (HGMD: prior to June 1st, 2018), and was therefore a candidate for classification through an automated scoring system. Utilizing variant allele frequency, disease prevalence and penetrance estimates, and inheritance mode, an automated score was calculated to assess if this variant is too frequent to cause the disease. Based on the score and internal cut-off values, a variant classified as benign is not then subjected to further curation. The score for this variant resulted in a classification of benign for this disease.

Illumina Laboratory Services, Illumina
Classification: Benign for Congenital stationary night blindness autosomal dominant 1. Last evaluated: 2018-01-13. Review status: criteria provided, single submitter. Criteria: ICSL Variant Classification Criteria 13 December 2019. Collection method: clinical testing. Allele origin: germline.
Comment: the same text as in the submission from Illumina Laboratory Services, Illumina above.